The following is an entry in ClinVar:

NM_020987.5(ANK3):c.1633G>A (p.Glu545Lys)

Gene: ANK3 (ankyrin 3; minus strand). Cytogenetic location: 10q21.2.
Variant type: single nucleotide variant.
Coding change: c.1633G>A on transcript NM_020987.5 (MANE Select); coding-DNA position 1633, G replaced by A.
Protein change: p.Glu545Lys; replaces glutamic acid 545 with lysine.
Molecular consequence: missense variant.
Genome position (GRCh38, 1-based): chr10:60,198,396, C>T on the plus strand (G>A on the coding strand, the complement: ANK3 is on the minus strand). VCF-style: chr10-60198396-C-T. GRCh37 (hg19) VCF-style: chr10-61958154-C-T.
Other names: c.1615G>A, p.Glu539Lys (NM_001204403.2); c.1582G>A, p.Glu528Lys (NM_001204404.2); c.1633G>A, p.Glu545Lys (NM_001320874.2); short protein forms E528K, E539K, E545K.
Identifiers: ClinVar variation 1336701 (VCV001336701.8), dbSNP rs765531783, ClinGen allele CA5513088.

ClinVar aggregate classification (germline): Uncertain significance. Review status: criteria provided, multiple submitters, no conflicts (2 of 4 stars). 2 submissions from 2 submitters: Uncertain significance (2). Last evaluated 2024-01-24.

Allele frequency attached by ClinVar (database versions not stated): ExAC 0.00002; gnomAD exomes 0.00004 and 0.00009; gnomAD 0.00005 and 0.00006; TOPMed 0.00006.
gnomAD v4.1: 138 of 1,614,116 alleles (0.0085%); highest among the groups gnomAD compares: Non-Finnish European, 0.011%; no homozygotes.

Submissions (2):

Labcorp Genetics (formerly Invitae), Labcorp
Classification: Uncertain significance. Last evaluated: 2024-01-24. Review status: criteria provided, single submitter. Criteria: Invitae Variant Classification Sherloc (09022015). Collection method: clinical testing. Allele origin: germline.
Comment: This sequence change replaces glutamic acid, which is acidic and polar, with lysine, which is basic and polar, at codon 545 of the ANK3 protein (p.Glu545Lys). This variant is present in population databases (rs765531783, gnomAD 0.009%). This variant has not been reported in the literature in individuals affected with ANK3-related conditions. ClinVar contains an entry for this variant (Variation ID: 1336701). Advanced modeling of protein sequence and biophysical properties (such as structural, functional, and spatial information, amino acid conservation, physicochemical variation, residue mobility, and thermodynamic stability) performed at Invitae indicates that this missense variant is not expected to disrupt ANK3 protein function with a negative predictive value of 80%. In summary, the available evidence is currently insufficient to determine the role of this variant in disease. Therefore, it has been classified as a Variant of Uncertain Significance.

Genetic Services Laboratory, University of Chicago
Classification: Uncertain significance. Last evaluated: 2018-06-04. Review status: criteria provided, single submitter. Criteria: ACMG Guidelines, 2015. Collection method: clinical testing. Allele origin: germline. Affected: no.